The following is an entry in ClinVar:

NM_001039141.3(TRIOBP):c.1195C>T (p.Arg399Ter)

Gene: TRIOBP (TRIO and F-actin binding protein; plus strand). Cytogenetic location: 22q13.1.
Variant type: single nucleotide variant.
Coding change: c.1195C>T on transcript NM_001039141.3 (MANE Select); coding-DNA position 1195, C replaced by T.
Protein change: p.Arg399Ter; replaces arginine 399 with a stop codon.
Molecular consequence: nonsense.
Genome position (GRCh38, 1-based): chr22:37,723,751, C>T. VCF-style: chr22-37723751-C-T. GRCh37 (hg19) VCF-style: chr22-38119758-C-T.
Other names: short protein forms R399*.
Identifiers: ClinVar variation 450619 (VCV000450619.7), dbSNP rs750078356, ClinGen allele CA10223544.

ClinVar aggregate classification (germline): Pathogenic/Likely pathogenic. Review status: criteria provided, multiple submitters, no conflicts (2 of 4 stars). 4 submissions from 4 submitters: Pathogenic (1); Likely pathogenic (2). 1 of the submissions does not count toward it. Last evaluated 2022-08-26.

Conditions:
TRIOBP-related disorder. Also called: TRIOBP-related condition.
Rare genetic deafness. Identifiers: Orphanet 96210, MedGen C5680250.
Autosomal recessive nonsyndromic hearing loss 28. Identifiers: Orphanet 90636, MedGen C1853276, MONDO:0012355, OMIM 609823.

Submissions (4):

Laboratory for Molecular Medicine, Mass General Brigham Personalized Medicine
Classification: Likely pathogenic for Rare genetic deafness. Last evaluated: 2022-08-26. Review status: criteria provided, single submitter. Criteria: ACMG Guidelines, 2015. Collection method: clinical testing. Allele origin: germline.
Comment: The p.Arg399X variant in TRIOBP has not beed reported in individuals with hearing loss but it has been reported in ClinVar (Variation ID 450619) and was absent from large population studies. This nonsense variant leads to a premature termination codon at position 399, which is predicted to lead to a truncated or absent protein. Loss of function of the TRIOBP gene is an established disease mechanism in autosomal recessive hearing loss. In summary, although additional studies are required to fully establish its clinical significance, this variant meets criteria to be classified as likely pathogenic for autosomal recessive hearing loss. ACMG/AMP Criteria applied: PM2_supporting, PVS1.

GeneDx
Classification: Pathogenic. Last evaluated: 2020-12-02. Review status: criteria provided, single submitter. Criteria: GeneDx Variant Classification Process June 2021. Collection method: clinical testing. Allele origin: germline. Affected: yes.
Comment: Nonsense variant predicted to result in protein truncation or nonsense mediated decay in a gene for which loss-of-function is a known mechanism of disease; Has not been previously published as pathogenic or benign to our knowledge

Blueprint Genetics
Classification: Likely pathogenic for TRIOBP-related disorders. Last evaluated: 2020-03-03. Review status: criteria provided, single submitter. Criteria: ACMG Guidelines, 2015. Collection method: clinical testing. Allele origin: germline. Affected: yes. Observed: 1 variant allele.

Dr.Nikuei Genetic Center
Classification: Pathogenic for Autosomal recessive nonsyndromic hearing loss 28. Review status: no assertion criteria provided. Collection method: clinical testing. Allele origin: germline. Inheritance: Autosomal recessive inheritance. Affected: yes. Observed: 1 homozygote. Not counted in ClinVar's aggregate classification.